The following is an entry in ClinVar:

ClinVar aggregate classification (germline): Likely pathogenic. Review status: criteria provided, single submitter (1 of 4 stars). 2 submissions from 2 submitters: Likely pathogenic (1). 1 of the submissions does not count toward it. Last evaluated 2021-03-31.

Conditions:
3-hydroxyisobutyryl-CoA hydrolase deficiency. Also called: HIBCH DEFICIENCY; METHACRYLIC ACID TOXICITY; METHACRYLIC ACIDURIA; VALINE METABOLIC DEFECT; Reduced circulating 3-hydroxyisobutyryl-CoA hydrolase activity; Deficiency of 3-hydroxyisobutyryl CoA hydrolase. Identifiers: Orphanet 88639, MedGen C0342738, MONDO:0009603, OMIM 250620, HP:6000215.

Submissions (2):

GeneDx
Classification: Likely pathogenic. Last evaluated: 2021-03-31. Review status: criteria provided, single submitter. Criteria: GeneDx Variant Classification Process June 2021. Collection method: clinical testing. Allele origin: germline. Affected: yes.
Comment: Observed with a second variant in the HIBCH gene on the opposite allele (in trans) in a patient with developmental delay, hypotonia, and cerebral atrophy in the published literature (Peters et al., 2015); Frameshift variant predicted to result in protein truncation or nonsense mediated decay in a gene for which loss-of-function is a known mechanism of disease; Not observed at a significant frequency in large population cohorts (Lek et al., 2016); This variant is associated with the following publications: (PMID: 26163321)

OMIM
Classification: Pathogenic for 3-HYDROXYISOBUTYRYL-CoA HYDROLASE DEFICIENCY. Last evaluated: 2015-08-01. Review status: no assertion criteria provided. Collection method: literature only. Allele origin: germline. Not counted in ClinVar's aggregate classification.

Literature cited by the submitters: PubMed 26163321 (cited by OMIM).

NM_014362.4(HIBCH):c.129dup (p.Gly44fs)

Gene: HIBCH (3-hydroxyisobutyryl-CoA hydrolase; minus strand). Cytogenetic location: 2q32.2.
Variant type: Duplication.
Coding change: c.129dup on transcript NM_014362.4 (MANE Select); coding-DNA position 129, one base duplicated (A; older notation c.129dupA).
Protein change: p.Gly44fs; shifts the reading frame from glycine 44.
Molecular consequence: frameshift variant.
Genome position (GRCh38, 1-based): chr2:190,296,903, T duplicated on the plus strand (A on the coding strand, the reverse complement: HIBCH is on the minus strand); the first of 8 consecutive T bases (chr2:190,296,903-190,296,910); duplicating any one gives the same sequence. VCF-style (leftmost placement, unchanged base first): chr2-190296902-C-CT. GRCh37 (hg19) VCF-style: chr2-191161628-C-CT.
Other names: c.129dup, p.Gly44fs (NM_198047.3); short protein forms G44fs.
Identifiers: ClinVar variation 208531 (VCV000208531.4), dbSNP rs767597690, ClinGen allele CA2027763.